The following is an entry in ClinVar:

NM_021258.4(IL22RA1):c.177-55G>A

Gene: IL22RA1 (interleukin 22 receptor subunit alpha 1; minus strand). Cytogenetic location: 1p36.11.
Variant type: single nucleotide variant.
Coding change: c.177-55G>A on transcript NM_021258.4 (MANE Select); 55 bases into the intron before coding-DNA position 177, G replaced by A.
Molecular consequence: intron variant.
Genome position (GRCh38, 1-based): chr1:24,137,364, C>T on the plus strand (G>A on the coding strand, the complement: IL22RA1 is on the minus strand). VCF-style: chr1-24137364-C-T. GRCh37 (hg19) VCF-style: chr1-24463854-C-T.
Identifiers: ClinVar variation 2688503 (VCV002688503.2), dbSNP rs41268137, ClinGen allele CA10834319.

ClinVar aggregate classification (germline): Benign (1 of 4 stars; one submission).

Allele frequency attached by ClinVar (database versions not stated): 1000 Genomes Project 0.11042; 1000 Genomes Project 30x 0.11149; TOPMed 0.13265; gnomAD 0.13291.
gnomAD v4.1: 205,506 of 1,532,916 alleles (13%); highest among the groups gnomAD compares: Middle Eastern, 21%; 14,608 homozygotes.

Submission:

Unidad de Genómica Garrahan, Hospital de Pediatría Garrahan
Classification: Benign. Last evaluated: 2024-01-24. Review status: criteria provided, single submitter. Criteria: ACMG Guidelines, 2015. Collection method: clinical testing. Allele origin: germline. Affected: no. Observed: 19 variant alleles.
Comment: This variant is classified as Benign based on local population frequency. This variant was detected in 22% of patients studied by a panel of primary immunodeficiencies. Number of patients: 19. Only high quality variants are reported.